The following is an entry in ClinVar:

NM_002972.4(SBF1):c.2967+9C>T

Gene: SBF1 (SET binding factor 1; minus strand). Cytogenetic location: 22q13.33.
Variant type: single nucleotide variant.
Coding change: c.2967+9C>T on transcript NM_002972.4 (MANE Select); 9 bases into the intron after coding-DNA position 2967, C replaced by T.
Molecular consequence: intron variant.
Genome position (GRCh38, 1-based): chr22:50,461,150, G>A on the plus strand (C>T on the coding strand, the complement: SBF1 is on the minus strand). VCF-style: chr22-50461150-G-A. GRCh37 (hg19) VCF-style: chr22-50899579-G-A.
Other names: p.?; c.2970+9C>T (NM_001365819.1); c.2967+9C>T (NM_002972.3).
Identifiers: ClinVar variation 1600770 (VCV001600770.11), dbSNP rs115010488, ClinGen allele CA10316964.

ClinVar aggregate classification (germline): Benign/Likely benign. Review status: criteria provided, multiple submitters, no conflicts (2 of 4 stars). 4 submissions from 4 submitters: Benign (1); Likely benign (2). 1 of the submissions does not count toward it. Last evaluated 2026-01-15.

Conditions:
SBF1-related disorder. Also called: SBF1-related condition.

Allele frequency attached by ClinVar (database versions not stated): 1000 Genomes Project 0.00319; 1000 Genomes Project 30x 0.00328; ESP Exome Variant Server 0.00331.
gnomAD v4.1: 765 of 1,589,610 alleles (0.048%); highest among the groups gnomAD compares: African/African-American, 0.9%; 2 homozygotes.

Submissions (4):

Labcorp Genetics (formerly Invitae), Labcorp
Classification: Benign. Last evaluated: 2026-01-15. Review status: criteria provided, single submitter. Criteria: Invitae Variant Classification Sherloc (09022015). Collection method: clinical testing. Allele origin: germline.

Mayo Clinic Laboratories, Mayo Clinic
Classification: Likely benign. Last evaluated: 2025-06-09. Review status: criteria provided, single submitter. Criteria: ACMG Guidelines, 2015. Collection method: clinical testing. Allele origin: germline. Observed: 1 variant allele.
Comment: BS1, BP4, BP7

Blueprint Genetics
Classification: Likely benign. Last evaluated: 2024-09-20. Review status: criteria provided, single submitter. Criteria: ACMG Guidelines, 2015. Collection method: clinical testing. Allele origin: germline.

PreventionGenetics, part of Exact Sciences
Classification: Benign for SBF1-related condition. Last evaluated: 2024-07-17. Review status: no assertion criteria provided. Collection method: clinical testing. Allele origin: germline. Not counted in ClinVar's aggregate classification.
Comment: This variant is classified as benign based on ACMG/AMP sequence variant interpretation guidelines (Richards et al. 2015 PMID: 25741868, with internal and published modifications).